The following is an entry in ClinVar:

NM_000061.3(BTK):c.1762T>A (p.Trp588Arg)

Gene: BTK (Bruton tyrosine kinase; minus strand). Cytogenetic location: Xq22.1.
Variant type: single nucleotide variant.
Coding change: c.1762T>A on transcript NM_000061.3 (MANE Select); coding-DNA position 1762, T replaced by A.
Protein change: p.Trp588Arg; replaces tryptophan 588 with arginine.
Molecular consequence: missense variant.
Genome position (GRCh38, 1-based): chrX:101,353,340, A>T on the plus strand (T>A on the coding strand, the complement: BTK is on the minus strand). VCF-style: chrX-101353340-A-T. GRCh37 (hg19) VCF-style: chrX-100608328-A-T.
Other names: c.1864T>A, p.Trp622Arg (NM_001287344.2); c.1234T>A, p.Trp412Arg (NM_001287345.2); short protein forms W412R, W588R, W622R.
Identifiers: ClinVar variation 4746917 (VCV004746917.1).

ClinVar aggregate classification (germline): Likely pathogenic (1 of 4 stars; one submission).

Conditions:
X-linked agammaglobulinemia with growth hormone deficiency (IGHD3). Also called: Isolated growth hormone deficiency type 3; Growth hormone deficiency with hypogammaglobulinemia; ISOLATED GROWTH HORMONE DEFICIENCY, TYPE III, WITH AGAMMAGLOBULINEMIA; AGAMMAGLOBULINEMIA AND ISOLATED GROWTH HORMONE DEFICIENCY, X-LINKED; FLEISHER SYNDROME; HYPOGAMMAGLOBULINEMIA AND ISOLATED GROWTH HORMONE DEFICIENCY, X-LINKED. Identifiers: Orphanet 231692, Orphanet 631, MedGen C0472813, MONDO:0010615, OMIM 307200.

Submission:

Labcorp Genetics (formerly Invitae), Labcorp
Classification: Likely pathogenic for X-linked agammaglobulinemia with growth hormone deficiency. Last evaluated: 2026-01-19. Review status: criteria provided, single submitter. Criteria: Invitae Variant Classification Sherloc (09022015). Collection method: clinical testing. Allele origin: germline.
Comment: This sequence change replaces tryptophan, which is neutral and slightly polar, with arginine, which is basic and polar, at codon 588 of the BTK protein (p.Trp588Arg). This variant is not present in population databases (gnomAD no frequency). This missense change has been observed in individual(s) with agammaglobulinemia (PMID: 17045652). Invitae Evidence Modeling of protein sequence and biophysical properties (such as structural, functional, and spatial information, amino acid conservation, physicochemical variation, residue mobility, and thermodynamic stability) indicates that this missense variant is expected to disrupt BTK protein function with a positive predictive value of 95%. This variant disrupts the p.Trp588 amino acid residue in BTK. Other variant(s) that disrupt this residue have been determined to be pathogenic (PMID: 14974089, 26931785). This suggests that this residue is clinically significant, and that variants that disrupt this residue are likely to be disease-causing. In summary, the currently available evidence indicates that the variant is pathogenic, but additional data are needed to prove that conclusively. Therefore, this variant has been classified as Likely Pathogenic.

Literature cited by the submitters: PubMed 17045652; PubMed 14974089; PubMed 26931785.